The following is an entry in ClinVar:

ClinVar aggregate classification (germline): Uncertain significance (1 of 4 stars; one submission).

Conditions:
Early-infantile DEE. Also called: Ohtahara syndrome; Early infantile epileptic encephalopathy with suppression bursts; Early infantile epileptic encephalopathy. Identifiers: Orphanet 1934, MedGen C0393706, MONDO:0800491.

Allele frequency attached by ClinVar (database versions not stated): ExAC 0.00002; gnomAD exomes below 0.00001; TOPMed 0.00002; gnomAD 0.00003; ESP Exome Variant Server 0.00008.
gnomAD v4.1: 6 of 1,613,922 alleles (0.00037%); highest among the groups gnomAD compares: African/African-American, 0.0067%; no homozygotes.

Submission:

Labcorp Genetics (formerly Invitae), Labcorp
Classification: Uncertain significance for Early-infantile DEE. Last evaluated: 2025-06-10. Review status: criteria provided, single submitter. Criteria: Invitae Variant Classification Sherloc (09022015). Collection method: clinical testing. Allele origin: germline.
Comment: This sequence change replaces serine, which is neutral and polar, with leucine, which is neutral and non-polar, at codon 792 of the HCN1 protein (p.Ser792Leu). This variant is present in population databases (rs140758934, gnomAD 0.007%). This variant has not been reported in the literature in individuals affected with HCN1-related conditions. ClinVar contains an entry for this variant (Variation ID: 1951639). Invitae Evidence Modeling of protein sequence and biophysical properties (such as structural, functional, and spatial information, amino acid conservation, physicochemical variation, residue mobility, and thermodynamic stability) indicates that this missense variant is not expected to disrupt HCN1 protein function with a negative predictive value of 95%. In summary, the available evidence is currently insufficient to determine the role of this variant in disease. Therefore, it has been classified as a Variant of Uncertain Significance.

NM_021072.4(HCN1):c.2375C>T (p.Ser792Leu)

Gene: HCN1 (hyperpolarization activated cyclic nucleotide gated potassium channel 1; minus strand). Cytogenetic location: 5p12.
Variant type: single nucleotide variant.
Coding change: c.2375C>T on transcript NM_021072.4 (MANE Select); coding-DNA position 2375, C replaced by T.
Protein change: p.Ser792Leu; replaces serine 792 with leucine.
Molecular consequence: missense variant.
Genome position (GRCh38, 1-based): chr5:45,262,219, G>A on the plus strand (C>T on the coding strand, the complement: HCN1 is on the minus strand). VCF-style: chr5-45262219-G-A. GRCh37 (hg19) VCF-style: chr5-45262321-G-A.
Other names: short protein forms S792L.
Identifiers: ClinVar variation 1951639 (VCV001951639.5), dbSNP rs140758934, ClinGen allele CA3259121.